The following is an entry in ClinVar:

ClinVar aggregate classification (germline): Likely benign (1 of 4 stars; one submission).

Submission:

GeneDx
Classification: Likely benign. Last evaluated: 2018-04-23. Review status: criteria provided, single submitter. Criteria: GeneDx Variant Classification (06012015). Collection method: clinical testing. Allele origin: germline. Affected: yes.
Comment: This variant is considered likely benign or benign based on one or more of the following criteria: it is a conservative change, it occurs at a poorly conserved position in the protein, it is predicted to be benign by multiple in silico algorithms, and/or has population frequency not consistent with disease.

NM_000116.5(TAFAZZIN):c.738G>A (p.Leu246=)

Gene: TAFAZZIN (tafazzin, phospholipid-lysophospholipid transacylase; plus strand). Cytogenetic location: Xq28.
Variant type: single nucleotide variant.
Coding change: c.738G>A on transcript NM_000116.5 (MANE Select); coding-DNA position 738, G replaced by A.
Protein change: p.Leu246=; no amino-acid change (leucine 246 retained).
Molecular consequence: synonymous variant. On other transcripts: non-coding transcript variant (1).
Genome position (GRCh38, 1-based): chrX:154,420,696, G>A. VCF-style: chrX-154420696-G-A. GRCh37 (hg19) VCF-style: chrX-153649035-G-A.
Other names: c.750G>A, p.Leu250= (NM_001303465.2); c.648G>A, p.Leu216= (NM_181311.4); c.696G>A, p.Leu232= (NM_181312.4); c.606G>A, p.Leu202= (NM_181313.4).
Identifiers: ClinVar variation 682247 (VCV000682247.1), dbSNP rs1603382194, ClinGen allele CA519278264.